The following is an entry in ClinVar:

NM_001161352.2(KCNMA1):c.1641C>T (p.Asp547=)

Gene: KCNMA1 (potassium calcium-activated channel subfamily M alpha 1; minus strand). Cytogenetic location: 10q22.3.
Variant type: single nucleotide variant.
Coding change: c.1641C>T on transcript NM_001161352.2 (MANE Select); coding-DNA position 1641, C replaced by T.
Protein change: p.Asp547=; no amino-acid change (aspartic acid 547 retained).
Molecular consequence: synonymous variant.
Genome position (GRCh38, 1-based): chr10:77,073,205, G>A on the plus strand (C>T on the coding strand, the complement: KCNMA1 is on the minus strand). VCF-style: chr10-77073205-G-A. GRCh37 (hg19) VCF-style: chr10-78832963-G-A.
Other names: p.Asp547=; c.1641C>T, p.Asp547= (NM_001014797.3, NM_001161353.2, NM_001271519.2 and 7 more transcripts); c.1479C>T, p.Asp493= (NM_001271518.2); c.1101C>T, p.Asp367= (NM_001322838.2).
Identifiers: ClinVar variation 194371 (VCV000194371.22), dbSNP rs149647577, ClinGen allele CA240301.

ClinVar aggregate classification (germline): Conflicting classifications of pathogenicity. Review status: criteria provided, conflicting classifications (1 of 4 stars). 6 submissions from 6 submitters: Uncertain significance (1); Likely benign (4). 1 of the submissions does not count toward it. Last evaluated 2026-01-27.

Conditions:
KCNMA1-related disorder. Also called: KCNMA1-related condition; KCNMA1-related disorders.
Generalized epilepsy-paroxysmal dyskinesia syndrome (PNKD3). Also called: Generalized epilepsy and paroxysmal dyskinesia; Paroxysmal nonkinesigenic dyskinesia, 3, with or without generalized epilepsy. Identifiers: Orphanet 79137, MedGen C5574945, MONDO:0012276, OMIM 609446.

Allele frequency attached by ClinVar (database versions not stated): gnomAD exomes 0.00013; ExAC 0.00016; ESP Exome Variant Server 0.00031; gnomAD 0.00031 and 0.00033; TOPMed 0.00034; 1000 Genomes Project 30x 0.00047; 1000 Genomes Project 0.00060.
gnomAD v4.1: 119 of 1,614,176 alleles (0.0074%); highest among the groups gnomAD compares: African/African-American, 0.1%; no homozygotes.

Submissions (6):

Labcorp Genetics (formerly Invitae), Labcorp
Classification: Likely benign for Generalized epilepsy-paroxysmal dyskinesia syndrome. Last evaluated: 2026-01-27. Review status: criteria provided, single submitter. Criteria: Invitae Variant Classification Sherloc (09022015). Collection method: clinical testing. Allele origin: germline.

Mayo Clinic Laboratories, Mayo Clinic
Classification: Likely benign. Last evaluated: 2025-03-21. Review status: criteria provided, single submitter. Criteria: ACMG Guidelines, 2015. Collection method: clinical testing. Allele origin: germline. Observed: 1 variant allele.
Comment: BS1, BP7

Blueprint Genetics
Classification: Likely benign. Last evaluated: 2024-11-25. Review status: criteria provided, single submitter. Criteria: ACMG Guidelines, 2015. Collection method: clinical testing. Allele origin: germline.

GeneDx
Classification: Likely benign. Last evaluated: 2020-07-28. Review status: criteria provided, single submitter. Criteria: GeneDx Variant Classification Process June 2021. Collection method: clinical testing. Allele origin: germline. Affected: yes.

Eurofins Ntd Llc (ga)
Classification: Uncertain significance. Last evaluated: 2014-12-18. Review status: criteria provided, single submitter. Criteria: EGL Classification Definitions 2015. Collection method: clinical testing. Allele origin: germline. Observed: 2 variant alleles, 2 heterozygotes.

PreventionGenetics, part of Exact Sciences
Classification: Likely benign for KCNMA1-related condition. Last evaluated: 2024-02-13. Review status: no assertion criteria provided. Collection method: clinical testing. Allele origin: germline. Not counted in ClinVar's aggregate classification.
Comment: This variant is classified as likely benign based on ACMG/AMP sequence variant interpretation guidelines (Richards et al. 2015 PMID: 25741868, with internal and published modifications).